The following is an entry in ClinVar:

NM_000264.5(PTCH1):c.4071G>A (p.Met1357Ile)

Gene: PTCH1 (patched 1; minus strand). Cytogenetic location: 9q22.32.
Variant type: single nucleotide variant.
Coding change: c.4071G>A on transcript NM_000264.5 (MANE Select); coding-DNA position 4071, G replaced by A.
Protein change: p.Met1357Ile; replaces methionine 1357 with isoleucine.
Molecular consequence: missense variant. On other transcripts: non-coding transcript variant (1).
Genome position (GRCh38, 1-based): chr9:95,447,185, C>T on the plus strand (G>A on the coding strand, the complement: PTCH1 is on the minus strand). VCF-style: chr9-95447185-C-T. GRCh37 (hg19) VCF-style: chr9-98209467-C-T.
Other names: c.3873G>A, p.Met1291Ile (NM_001083602.3); c.4068G>A, p.Met1356Ile (NM_001083603.3); c.3618G>A, p.Met1206Ile (NM_001083604.3, NM_001083605.3, NM_001083606.3 and 1 more transcripts); c.3915G>A, p.Met1305Ile (NM_001354918.2); short protein forms M1356I, M1206I, M1305I, M1357I, M1291I.
Identifiers: ClinVar variation 3007069 (VCV003007069.5), dbSNP rs2136577416, ClinGen allele CA374110377.

ClinVar aggregate classification (germline): Conflicting classifications of pathogenicity. Review status: criteria provided, conflicting classifications (1 of 4 stars). 2 submissions from 2 submitters: Uncertain significance (1); Likely benign (1). Last evaluated 2026-07-06.

Conditions:
Gorlin syndrome. Also called: Nevoid Basal Cell Carcinoma Syndrome; Basal cell nevus syndrome. Identifiers: Orphanet 377, MedGen C0004779, MONDO:0007187.
Hereditary cancer-predisposing syndrome. Also called: Hereditary Cancer Syndrome; Hereditary neoplastic syndrome; Neoplastic Syndromes, Hereditary; Tumor predisposition. Identifiers: Orphanet 140162, MedGen C0027672, MeSH D009386, MONDO:0015356.

Allele frequency attached by ClinVar (database versions not stated): gnomAD exomes below 0.00001.

Submissions (2):

Ambry Genetics
Classification: Likely benign for Hereditary cancer-predisposing syndrome. Last evaluated: 2026-07-06. Review status: criteria provided, single submitter. Criteria: Ambry Variant Classification Scheme 2023. Collection method: clinical testing. Allele origin: germline.

Labcorp Genetics (formerly Invitae), Labcorp
Classification: Uncertain significance for Gorlin syndrome. Last evaluated: 2023-07-21. Review status: criteria provided, single submitter. Criteria: Invitae Variant Classification Sherloc (09022015). Collection method: clinical testing. Allele origin: germline.
Comment: This variant is not present in population databases (gnomAD no frequency). This sequence change replaces methionine, which is neutral and non-polar, with isoleucine, which is neutral and non-polar, at codon 1357 of the PTCH1 protein (p.Met1357Ile). This variant has not been reported in the literature in individuals affected with PTCH1-related conditions. Advanced modeling of protein sequence and biophysical properties (such as structural, functional, and spatial information, amino acid conservation, physicochemical variation, residue mobility, and thermodynamic stability) performed at Invitae indicates that this missense variant is not expected to disrupt PTCH1 protein function. In summary, the available evidence is currently insufficient to determine the role of this variant in disease. Therefore, it has been classified as a Variant of Uncertain Significance.